The following is an entry in ClinVar:

ClinVar aggregate classification (germline): Likely pathogenic. Review status: criteria provided, multiple submitters, no conflicts (2 of 4 stars). 3 submissions from 3 submitters: Likely pathogenic (3). Last evaluated 2026-09-23.

Conditions:
Silver-russell syndrome 4. Identifiers: MedGen C5394450, MONDO:0030118, OMIM 618907.
PLAG1-related disorder. Also called: PLAG1-related condition.

Allele frequency attached by ClinVar (database versions not stated): ExAC 0.00001.
gnomAD v4.1: 2 of 1,613,918 alleles (0.00012%); highest among the groups gnomAD compares: Non-Finnish European, 0.000085%; no homozygotes.

Submissions (3):

PreventionGenetics, part of Exact Sciences
Classification: Likely pathogenic for PLAG1-related condition. Last evaluated: 2026-09-23. Review status: criteria provided, single submitter. Criteria: ACMG Guidelines, 2015. Collection method: clinical testing. Allele origin: germline.
Comment: The PLAG1 c.589C>T variant is predicted to result in premature protein termination (p.Arg197*). This variant was reported in the heterozygous state in an individual with Silver-Russell syndrome (Inoue et al. 2020. PubMed ID: 32546215). This variant was maternally inherited in this individual, though the mother appeared mildly affected in adulthood. This variant has not been reported in a large population database (gnomAD), indicating this variant is rare. This variant is interpreted as likely pathogenic.

GeneDx
Classification: Likely pathogenic. Last evaluated: 2026-09-10. Review status: criteria provided, single submitter. Criteria: GeneDx Variant Classification Process June 2021. Collection method: clinical testing. Allele origin: germline.
Comment: Nonsense variant predicted to result in protein truncation, as the last 304 amino acid(s) are lost, and other loss-of-function variants have been reported downstream in HGMD; Not observed at significant frequency in large population cohorts (gnomAD); This variant is associated with the following publications: (PMID: 33291420, 34223693, 37673301, 32546215, 41204329)

Juno Genomics, Hangzhou Juno Genomics, Inc
Classification: Likely pathogenic for Silver-russell syndrome 4. Review status: criteria provided, single submitter. Criteria: ACMG Guidelines, 2015. Collection method: clinical testing. Allele origin: germline. Affected: yes.
Comment: Absent from controls (or at extremely low frequency if recessive) in Genome Aggregation Database, Exome Sequencing Project, 1000 Genomes Project, or Exome Aggregation Consortium.;Null variant in a gene where loss of function (LOF) is a known mechanism of disease.;The prevalence of the variant in affected individuals is significantly increased compared to the prevalence in controls.;Patient's phenotype or family history is highly specific for a disease with a single genetic etiology.

NM_002655.3(PLAG1):c.589C>T (p.Arg197Ter)

Genes: PLAG1 (PLAG1 zinc finger; minus strand), LOC126860395 (BRD4-independent group 4 enhancer GRCh37_chr8:57079228-57080427; plus strand). Cytogenetic location: 8q12.1.
Variant type: single nucleotide variant.
Coding change: c.589C>T on transcript NM_002655.3 (MANE Select); coding-DNA position 589, C replaced by T.
Protein change: p.Arg197Ter; replaces arginine 197 with a stop codon.
Molecular consequence: nonsense.
Genome position (GRCh38, 1-based): chr8:56,167,157, G>A on the plus strand (C>T on the coding strand, the complement: PLAG1 is on the minus strand). VCF-style: chr8-56167157-G-A. GRCh37 (hg19) VCF-style: chr8-57079716-G-A.
Other names: c.589C>T, p.Arg197Ter (NM_001114634.2); c.343C>T, p.Arg115Ter (NM_001114635.2); short protein forms R115*, R197*.
Identifiers: ClinVar variation 2504817 (VCV002504817.5), dbSNP rs780434899, ClinGen allele CA4754894.